The following is an entry in ClinVar:

NM_018297.4(NGLY1):c.492+7T>C

Gene: NGLY1 (N-glycanase 1; minus strand). Cytogenetic location: 3p24.2.
Variant type: single nucleotide variant.
Coding change: c.492+7T>C on transcript NM_018297.4 (MANE Select); 7 bases into the intron after coding-DNA position 492, T replaced by C.
Molecular consequence: intron variant.
Genome position (GRCh38, 1-based): chr3:25,764,059, A>G on the plus strand (T>C on the coding strand, the complement: NGLY1 is on the minus strand). VCF-style: chr3-25764059-A-G. GRCh37 (hg19) VCF-style: chr3-25805550-A-G.
Other names: c.366+7T>C (NM_001145294.2); c.492+7T>C (NM_001145295.2, NM_001145293.2, NM_018297.3).
Identifiers: ClinVar variation 1161023 (VCV001161023.8), dbSNP rs781577774, ClinGen allele CA2289472.
Genomic context (GRCh38, chr3:25,764,059, plus strand): 5'-TTCCAAAGCTTTTGCTGTTTCAACACTTTGAAAGAAACAGTTAAAGAAGGTTTAATTCTA[A>G]CATTACCGTTGAAGCAGATGGTGGATCTGATGACTGCCCTTGACGGTTCCTTGTGTGCTG-3'

ClinVar aggregate classification (germline): Likely benign. Review status: criteria provided, multiple submitters, no conflicts (2 of 4 stars). 2 submissions from 2 submitters: Likely benign (2). Last evaluated 2026-01-24.

Conditions:
Congenital disorder of deglycosylation (CDDG). Identifiers: MedGen C3808991, MONDO:0031376.
NGLY1-related disorder. Also called: NGLY1-related condition.

Allele frequency attached by ClinVar (database versions not stated): gnomAD 0.00004 and 0.00005; TOPMed 0.00004; ExAC 0.00006; gnomAD exomes 0.00006 and 0.00010.
gnomAD v4.1: 152 of 1,613,610 alleles (0.0094%); highest among the groups gnomAD compares: East Asian, 0.34%; 2 homozygotes.

Submissions (2):

Labcorp Genetics (formerly Invitae), Labcorp
Classification: Likely benign for Congenital disorder of deglycosylation. Last evaluated: 2026-01-24. Review status: criteria provided, single submitter. Criteria: Invitae Variant Classification Sherloc (09022015). Collection method: clinical testing. Allele origin: germline.

PreventionGenetics, part of Exact Sciences
Classification: Likely benign for NGLY1-related condition. Last evaluated: 2025-11-20. Review status: criteria provided, single submitter. Criteria: ACMG Guidelines, 2015. Collection method: clinical testing. Allele origin: germline.
Comment: This variant is classified as likely benign based on ACMG/AMP sequence variant interpretation guidelines (Richards et al. 2015 PMID: 25741868, with internal and published modifications).